The following is an entry in ClinVar:

NM_015178.3(RHOBTB2):c.1668A>G (p.Glu556=)

Gene: RHOBTB2 (Rho related BTB domain containing 2; plus strand). Cytogenetic location: 8p21.3.
Variant type: single nucleotide variant.
Coding change: c.1668A>G on transcript NM_015178.3 (MANE Select); coding-DNA position 1668, A replaced by G.
Protein change: p.Glu556=; no amino-acid change (glutamic acid 556 retained).
Molecular consequence: synonymous variant.
Genome position (GRCh38, 1-based): chr8:23,010,585, A>G. VCF-style: chr8-23010585-A-G. GRCh37 (hg19) VCF-style: chr8-22868098-A-G.
Other names: c.1734A>G, p.Glu578= (NM_001160036.2); c.1689A>G, p.Glu563= (NM_001160037.2); c.1668A>G, p.Glu556= (NM_001374791.1).
Identifiers: ClinVar variation 4873451 (VCV004873451.2).

ClinVar aggregate classification (germline): Likely benign (1 of 4 stars; one submission).

gnomAD v4.1: 2 of 1,613,956 alleles (0.00012%); highest among the groups gnomAD compares: Non-Finnish European, 0.000085%; no homozygotes.

Submission:

CeGaT Center for Human Genetics Tuebingen
Classification: Likely benign. Last evaluated: 2026-05-01. Review status: criteria provided, single submitter. Criteria: CeGaT Center For Human Genetics Tuebingen Variant Classification Criteria Version 2. Collection method: clinical testing. Allele origin: germline. Affected: yes. Observed: 1 variant allele.
Comment: RHOBTB2: BP4, BP7